The following is an entry in ClinVar:

NM_002641.4(PIGA):c.1234C>A (p.Arg412=)

Gene: PIGA (phosphatidylinositol glycan anchor biosynthesis class A; minus strand). Cytogenetic location: Xp22.2.
Variant type: single nucleotide variant.
Coding change: c.1234C>A on transcript NM_002641.4 (MANE Select); coding-DNA position 1234, C replaced by A.
Protein change: p.Arg412=; no amino-acid change (arginine 412 retained).
Molecular consequence: synonymous variant. On other transcripts: non-coding transcript variant (2).
Genome position (GRCh38, 1-based): chrX:15,321,727, G>T on the plus strand (C>A on the coding strand, the complement: PIGA is on the minus strand). VCF-style: chrX-15321727-G-T. GRCh37 (hg19) VCF-style: chrX-15339849-G-T.
Other names: c.532C>A, p.Arg178= (NM_020473.3).
Identifiers: ClinVar variation 681438 (VCV000681438.1), dbSNP rs387906726, ClinGen allele CA515464225.

ClinVar aggregate classification (germline): Likely benign (1 of 4 stars; one submission).

Submission:

GeneDx
Classification: Likely benign. Last evaluated: 2018-04-04. Review status: criteria provided, single submitter. Criteria: GeneDx Variant Classification (06012015). Collection method: clinical testing. Allele origin: germline. Affected: yes.
Comment: This variant is considered likely benign or benign based on one or more of the following criteria: it is a conservative change, it occurs at a poorly conserved position in the protein, it is predicted to be benign by multiple in silico algorithms, and/or has population frequency not consistent with disease.